The following is an entry in ClinVar:

NM_024753.5(TTC21B):c.2014C>A (p.Arg672=)

Gene: TTC21B (tetratricopeptide repeat domain 21B; minus strand). Cytogenetic location: 2q24.3.
Variant type: single nucleotide variant.
Coding change: c.2014C>A on transcript NM_024753.5 (MANE Select); coding-DNA position 2014, C replaced by A.
Protein change: p.Arg672=; no amino-acid change (arginine 672 retained).
Molecular consequence: synonymous variant.
Genome position (GRCh38, 1-based): chr2:165,915,325, G>T on the plus strand (C>A on the coding strand, the complement: TTC21B is on the minus strand). VCF-style: chr2-165915325-G-T. GRCh37 (hg19) VCF-style: chr2-166771835-G-T.
Identifiers: ClinVar variation 3346587 (VCV003346587.1).

ClinVar aggregate classification (germline): Likely benign (0 of 4 stars; one submission).

Conditions:
TTC21B-related disorder. Also called: TTC21B-related disorders; TTC21B-related condition.

Submission:

PreventionGenetics, part of Exact Sciences
Classification: Likely benign for TTC21B-related condition. Last evaluated: 2024-08-24. Review status: no assertion criteria provided. Collection method: clinical testing. Allele origin: germline.
Comment: This variant is classified as likely benign based on ACMG/AMP sequence variant interpretation guidelines (Richards et al. 2015 PMID: 25741868, with internal and published modifications).